The following is an entry in ClinVar:

ClinVar aggregate classification (germline): Uncertain significance (1 of 4 stars; one submission).

Conditions:
Baller-Gerold syndrome (BGS). Also called: CRANIOSYNOSTOSIS WITH RADIAL DEFECTS. Identifiers: Orphanet 1225, MedGen C0265308, MONDO:0009039, OMIM 218600.

Allele frequency attached by ClinVar (database versions not stated): gnomAD exomes below 0.00001 and 0.00001.
gnomAD v4.1: 5 of 1,609,900 alleles (0.00031%); highest among the groups gnomAD compares: Middle Eastern, 0.017%; no homozygotes.

Submission:

Labcorp Genetics (formerly Invitae), Labcorp
Classification: Uncertain significance for Baller-Gerold syndrome. Last evaluated: 2021-03-10. Review status: criteria provided, single submitter. Criteria: Invitae Variant Classification Sherloc (09022015). Collection method: clinical testing. Allele origin: germline.
Comment: This sequence change falls in intron 5 of the RECQL4 gene. It does not directly change the encoded amino acid sequence of the RECQL4 protein. It affects a nucleotide within the consensus splice site of the intron. This variant is not present in population databases (ExAC no frequency). This variant has not been reported in the literature in individuals with RECQL4-related conditions. ClinVar contains an entry for this variant (Variation ID: 643885). Nucleotide substitutions within the consensus splice site are a relatively common cause of aberrant splicing (PMID: 17576681, 9536098). Algorithms developed to predict the effect of sequence changes on RNA splicing suggest that this variant is not likely to affect RNA splicing, but this prediction has not been confirmed by published transcriptional studies. In summary, the available evidence is currently insufficient to determine the role of this variant in disease. Therefore, it has been classified as a Variant of Uncertain Significance.

Literature cited by the submitters: PubMed 17576681; PubMed 9536098.

NM_004260.4(RECQL4):c.1131+3A>G

Gene: RECQL4 (RecQ like helicase 4; minus strand). Cytogenetic location: 8q24.3.
Variant type: single nucleotide variant.
Coding change: c.1131+3A>G on transcript NM_004260.4 (MANE Select); 3 bases into the intron after coding-DNA position 1131, A replaced by G.
Molecular consequence: intron variant.
Genome position (GRCh38, 1-based): chr8:144,515,985, T>C on the plus strand (A>G on the coding strand, the complement: RECQL4 is on the minus strand). VCF-style: chr8-144515985-T-C. GRCh37 (hg19) VCF-style: chr8-145741369-T-C.
Identifiers: ClinVar variation 643885 (VCV000643885.5), dbSNP rs1218791786, ClinGen allele CA586166065.